The following is an entry in ClinVar:

NM_022124.6(CDH23):c.7680G>A (p.Met2560Ile)

Gene: CDH23 (cadherin related 23; plus strand). Cytogenetic location: 10q22.1.
Variant type: single nucleotide variant.
Coding change: c.7680G>A on transcript NM_022124.6 (MANE Select); coding-DNA position 7680, G replaced by A.
Protein change: p.Met2560Ile; replaces methionine 2560 with isoleucine.
Molecular consequence: missense variant.
Genome position (GRCh38, 1-based): chr10:71,803,228, G>A. VCF-style: chr10-71803228-G-A. GRCh37 (hg19) VCF-style: chr10-73562985-G-A.
Other names: c.960G>A, p.Met320Ile (NM_001171933.1, NM_001171934.1); short protein forms M2560I, M320I.
Identifiers: ClinVar variation 1486859 (VCV001486859.5), dbSNP rs2132978277, ClinGen allele CA377161080.

ClinVar aggregate classification (germline): Uncertain significance (1 of 4 stars; one submission).

Allele frequency attached by ClinVar (database versions not stated): gnomAD exomes below 0.00001.
gnomAD v4.1: 1 of 1,604,492 alleles (0.000062%); highest among the groups gnomAD compares: Non-Finnish European, 0.000085%; no homozygotes.

Submission:

Labcorp Genetics (formerly Invitae), Labcorp
Classification: Uncertain significance. Last evaluated: 2022-03-10. Review status: criteria provided, single submitter. Criteria: Invitae Variant Classification Sherloc (09022015). Collection method: clinical testing. Allele origin: germline.
Comment: This sequence change replaces methionine, which is neutral and non-polar, with isoleucine, which is neutral and non-polar, at codon 2560 of the CDH23 protein (p.Met2560Ile). This variant is not present in population databases (gnomAD no frequency). This variant has not been reported in the literature in individuals affected with CDH23-related conditions. Algorithms developed to predict the effect of missense changes on protein structure and function output the following: SIFT: "Tolerated"; PolyPhen-2: "Not Available"; Align-GVGD: "Class C0". The isoleucine amino acid residue is found in multiple mammalian species, which suggests that this missense change does not adversely affect protein function. Algorithms developed to predict the effect of sequence changes on RNA splicing suggest that this variant may create or strengthen a splice site. In summary, the available evidence is currently insufficient to determine the role of this variant in disease. Therefore, it has been classified as a Variant of Uncertain Significance.